The following is an entry in ClinVar:

ClinVar aggregate classification (germline): Benign (1 of 4 stars; one submission).

Conditions:
Congenital contractural arachnodactyly (CCA). Also called: BEALS SYNDROME; Beals-Hecht syndrome; Arthrogryposis, distal, type 9. Identifiers: Orphanet 115, MedGen C0220668, MONDO:0007363, OMIM 121050.

Allele frequency attached by ClinVar (database versions not stated): 1000 Genomes Project 0.00120; 1000 Genomes Project 30x 0.00125; gnomAD 0.00234 and 0.00240; TOPMed 0.00238.

Submission:

Illumina Laboratory Services, Illumina
Classification: Benign for Congenital contractural arachnodactyly. Last evaluated: 2018-01-13. Review status: criteria provided, single submitter. Criteria: ICSL Variant Classification Criteria 13 December 2019. Collection method: clinical testing. Allele origin: germline.
Comment: This variant was observed in the ICSL laboratory as part of a predisposition screen in an ostensibly healthy population. It had not been previously curated by ICSL or reported in the Human Gene Mutation Database (HGMD: prior to June 1st, 2018), and was therefore a candidate for classification through an automated scoring system. Utilizing variant allele frequency, disease prevalence and penetrance estimates, and inheritance mode, an automated score was calculated to assess if this variant is too frequent to cause the disease. Based on the score and internal cut-off values, a variant classified as benign is not then subjected to further curation. The score for this variant resulted in a classification of benign for this disease.

NM_001999.4(FBN2):c.*1191C>T

Gene: FBN2 (fibrillin 2; minus strand). Cytogenetic location: 5q23.3.
Variant type: single nucleotide variant.
Coding change: c.*1191C>T on transcript NM_001999.4 (MANE Select); 1191 bases downstream of the stop codon, C replaced by T.
Molecular consequence: 3 prime UTR variant.
Genome position (GRCh38, 1-based): chr5:128,258,264, G>A on the plus strand (C>T on the coding strand, the complement: FBN2 is on the minus strand). VCF-style: chr5-128258264-G-A. GRCh37 (hg19) VCF-style: chr5-127593956-G-A.
Identifiers: ClinVar variation 350733 (VCV000350733.5), dbSNP rs557229598, ClinGen allele CA10620090.